The following is an entry in ClinVar:

ClinVar aggregate classification (germline): Uncertain significance (1 of 4 stars; one submission).

Conditions:
SEMA3G-related disorder. Also called: SEMA3G-related condition.

Submission:

PreventionGenetics, part of Exact Sciences
Classification: Uncertain significance for SEMA3G-related condition. Last evaluated: 2026-09-23. Review status: criteria provided, single submitter. Criteria: ACMG Guidelines, 2015. Collection method: clinical testing. Allele origin: germline.
Comment: The SEMA3G c.848A>G variant is predicted to result in the amino acid substitution p.Lys283Arg. To our knowledge, this variant has not been reported in the literature or in a large population database (gnomAD), indicating this variant is rare. At this time, the clinical significance of this variant is uncertain due to the absence of conclusive functional and genetic evidence.

NM_020163.3(SEMA3G):c.848A>G (p.Lys283Arg)

Gene: SEMA3G (semaphorin 3G; minus strand). Cytogenetic location: 3p21.1.
Variant type: single nucleotide variant.
Coding change: c.848A>G on transcript NM_020163.3 (MANE Select); coding-DNA position 848, A replaced by G.
Protein change: p.Lys283Arg; replaces lysine 283 with arginine.
Molecular consequence: missense variant.
Genome position (GRCh38, 1-based): chr3:52,441,014, T>C on the plus strand (A>G on the coding strand, the complement: SEMA3G is on the minus strand). VCF-style: chr3-52441014-T-C. GRCh37 (hg19) VCF-style: chr3-52475030-T-C.
Other names: short protein forms K283R.
Identifiers: ClinVar variation 4987953 (VCV004987953.1).